The following is an entry in ClinVar:

NM_133433.4(NIPBL):c.8352_8355del (p.Thr2785fs)

Gene: NIPBL (NIPBL cohesin loading factor; plus strand). Cytogenetic location: 5p13.2.
Variant type: Deletion.
Coding change: c.8352_8355del on transcript NM_133433.4 (MANE Select); coding-DNA positions 8352 to 8355, 4 bases deleted (GACT; older notation c.8352_8355delGACT).
Protein change: p.Thr2785fs; shifts the reading frame from threonine 2785.
Molecular consequence: frameshift variant. On other transcripts: 3 prime UTR variant (1).
Genome position (GRCh38, 1-based): chr5:37,064,829-37,064,832, GACT deleted; deleting any 4 consecutive bases within chr5:37,064,827-37,064,832 gives the same sequence; the c. name uses the placement nearest the transcript's 3' end. VCF-style (leftmost placement, unchanged base first): chr5-37064826-GCTGA-G. GRCh37 (hg19) VCF-style: chr5-37064928-GCTGA-G.
Other names: c.*806_*809del (NM_015384.5); short protein forms T2785fs.
Identifiers: ClinVar variation 3775280 (VCV003775280.1).

ClinVar aggregate classification (germline): Likely pathogenic (1 of 4 stars; one submission).

Conditions:
Cornelia de Lange syndrome 1 (CDLS1). Also called: Brachmann de Lange syndrome; TYPUS DEGENERATIVUS AMSTELODAMENSIS; NIPBL-Related Cornelia de Lange Syndrome. Identifiers: Orphanet 199, MedGen C4551851, MONDO:0007387, OMIM 122470.

Submission:

3billion
Classification: Likely pathogenic for Cornelia de Lange syndrome 1. Last evaluated: 2023-08-06. Review status: criteria provided, single submitter. Criteria: ACMG Guidelines, 2015. Collection method: clinical testing. Allele origin: germline. Affected: yes.
Comment: The variant is not observed in the gnomAD v2.1.1 dataset. Predicted Consequence/Location: Frameshift variant: predicted to result in a loss or disruption of normal protein function through protein truncation. Multiple pathogenic variants are reported in the predicted truncated region. Therefore, this variant is classified as Likely pathogenic according to the recommendation of ACMG/AMP guideline.

Literature cited by the submitters: PubMed 24038889.